The following is an entry in ClinVar:

NM_005045.4(RELN):c.1227A>G (p.Val409=)

Gene: RELN (reelin; minus strand). Cytogenetic location: 7q22.1.
Variant type: single nucleotide variant.
Coding change: c.1227A>G on transcript NM_005045.4 (MANE Select); coding-DNA position 1227, A replaced by G.
Protein change: p.Val409=; no amino-acid change (valine 409 retained).
Molecular consequence: synonymous variant.
Genome position (GRCh38, 1-based): chr7:103,682,178, T>C on the plus strand (A>G on the coding strand, the complement: RELN is on the minus strand). VCF-style: chr7-103682178-T-C. GRCh37 (hg19) VCF-style: chr7-103322625-T-C.
Other names: c.1227A>G, p.Val409= (NM_173054.3).
Identifiers: ClinVar variation 2657905 (VCV002657905.27), dbSNP rs374189538, ClinGen allele CA163855918.
Genomic context (GRCh38, chr7:103,682,178, plus strand): 5'-TGTAGGCTGGCTCTCAAATTCTTCTGACCATTGCTCTTGAATATCTTCTGTGGAAAGATC[T>C]ACATCCCTGGTGGTGGCAAAATTGAACTCGCTGCCTTCATTTCCATGGAAATAAATGGAG-3'
Protein context (NP_005036.2, residues 399-419): SEFNFATTRD[Val409=]DLSTEDIQEQ

ClinVar aggregate classification (germline): Likely benign. Review status: criteria provided, multiple submitters, no conflicts (2 of 4 stars). 2 submissions from 2 submitters: Likely benign (2). Last evaluated 2023-02-13.

Conditions:
Norman-Roberts syndrome (LIS2). Also called: Lissencephaly 2 (Norman-Roberts type). Identifiers: Orphanet 89844, MedGen C0796089, MONDO:0009760, OMIM 257320.
Familial temporal lobe epilepsy 7. Identifiers: Orphanet 101046, MedGen C4225327, MONDO:0014639, OMIM 616436.

Allele frequency attached by ClinVar (database versions not stated): gnomAD exomes below 0.00001.
gnomAD v4.1: 4 of 1,614,034 alleles (0.00025%); highest among the groups gnomAD compares: Middle Eastern, 0.017%; no homozygotes.

Submissions (2):

Labcorp Genetics (formerly Invitae), Labcorp
Classification: Likely benign for Familial temporal lobe epilepsy 7; Norman-Roberts syndrome. Last evaluated: 2023-02-13. Review status: criteria provided, single submitter. Criteria: Invitae Variant Classification Sherloc (09022015). Collection method: clinical testing. Allele origin: germline.

CeGaT Center for Human Genetics Tuebingen
Classification: Likely benign. Last evaluated: 2022-12-01. Review status: criteria provided, single submitter. Criteria: CeGaT Center For Human Genetics Tuebingen Variant Classification Criteria Version 2. Collection method: clinical testing. Allele origin: germline. Affected: yes. Observed: 1 variant allele.
Comment: RELN: PM2:Supporting, BP4, BP7